The following is an entry in ClinVar:

NM_000273.3(GPR143):c.939G>A (p.Trp313Ter)

Gene: GPR143 (G protein-coupled receptor 143; minus strand). Cytogenetic location: Xp22.2.
Variant type: single nucleotide variant.
Coding change: c.939G>A on transcript NM_000273.3 (MANE Select); coding-DNA position 939, G replaced by A.
Protein change: p.Trp313Ter; replaces tryptophan 313 with a stop codon.
Molecular consequence: nonsense.
Genome position (GRCh38, 1-based): chrX:9,739,666, C>T on the plus strand (G>A on the coding strand, the complement: GPR143 is on the minus strand). VCF-style: chrX-9739666-C-T. GRCh37 (hg19) VCF-style: chrX-9707706-C-T.
Other names: short protein forms W313*.
Identifiers: ClinVar variation 2827945 (VCV002827945.3), dbSNP rs2518622659, ClinGen allele CA411995413.
Genomic context (GRCh38, chrX:9,739,666, plus strand): 5'-GGTCAGTGATTCCCACTGGATCTCCTTCCTGGGAGACTGAAAACCCAGGCTGCATCCTGT[C>T]CAGCCGTAGAAGGCCAAAGACAAGAGAAATCCCTGGGCTGGATTCAGGATTCCCTGGAGA-3'

ClinVar aggregate classification (germline): Pathogenic (1 of 4 stars; one submission).

Submission:

Labcorp Genetics (formerly Invitae), Labcorp
Classification: Pathogenic. Last evaluated: 2023-01-12. Review status: criteria provided, single submitter. Criteria: Invitae Variant Classification Sherloc (09022015). Collection method: clinical testing. Allele origin: germline.
Comment: For these reasons, this variant has been classified as Pathogenic. This premature translational stop signal has been observed in individual(s) with oculocutaneous albinism (PMID: 29345414). This variant is not present in population databases (gnomAD no frequency). This sequence change creates a premature translational stop signal (p.Trp313*) in the GPR143 gene. It is expected to result in an absent or disrupted protein product. Loss-of-function variants in GPR143 are known to be pathogenic (PMID: 15965158, 18978956, 19390656, 21541274, 26160353, 28211458).

Literature cited by the submitters: PubMed 29345414; PubMed 15965158; PubMed 18978956; PubMed 19390656; PubMed 21541274; PubMed 26160353; PubMed 28211458.